The following continues an entry in ClinVar:

NM_000492.4(CFTR):c.1766+1G>A

Gene: CFTR. ClinVar aggregate classification (germline): Pathogenic. Pathogenic (1).

Submissions 12 to 24 of 24:

Ambry Genetics
Classification: Pathogenic for Cystic fibrosis. Last evaluated: 2022-12-15. Review status: criteria provided, single submitter. Criteria: Ambry Variant Classification Scheme 2023. Collection method: clinical testing. Allele origin: germline. Not counted in ClinVar's aggregate classification.
Comment: The c.1766+1G>A intronic pathogenic mutation (also known as c.1898+1G>A) results from a G to A substitution one nucleotide after coding exon 13 of the CFTR gene. This mutation was reported in two unrelated individuals with cystic fibrosis who had pancreatic insufficiency, pulmonary disease, and abnormal sweat chloride levels; both individuals were also heterozygous for p.F508del (Strong TV et al. Hum. Mutat., 1992;1:380-7). Two other mutations at the same nucleotide position, c.1766+1G>C and c.1766+1G>T, have been reported in individuals with cystic fibrosis (Cuppens H et al. Genomics, 1993 Dec;18:693-7; Crawford J et al. Hum. Mutat., 1995;5:101-2; Petrova NV et al. Genes (Basel), 2020 May;11(5):554). In addition to the clinical data presented in the literature, alterations that disrupt the canonical splice site are expected to cause aberrant splicing, resulting in an abnormal protein or a transcript that is subject to nonsense-mediated mRNA decay. As such, this alteration is classified as a disease-causing mutation.

Mayo Clinic Laboratories, Mayo Clinic
Classification: Pathogenic. Last evaluated: 2022-10-21. Review status: criteria provided, single submitter. Criteria: ACMG Guidelines, 2015. Collection method: clinical testing. Allele origin: germline. Observed: 2 variant alleles. Not counted in ClinVar's aggregate classification.

Johns Hopkins Genomics, Johns Hopkins University
Classification: Pathogenic for Cystic fibrosis. Last evaluated: 2020-01-29. Review status: criteria provided, single submitter. Criteria: ACMG Guidelines, 2015. Collection method: clinical testing. Allele origin: germline. Not counted in ClinVar's aggregate classification.
Comment: See CFTR2 for phenotype information.

Myriad Genetics, Inc.
Classification: Pathogenic for Cystic fibrosis. Last evaluated: 2019-11-20. Review status: criteria provided, single submitter. Criteria: Myriad Women's Health Autosomal Recessive and X-Linked Classification Criteria (2019). Collection method: clinical testing. Allele origin: unknown. Not counted in ClinVar's aggregate classification.
Comment: NM_000492.3(CFTR):c.1766+1G>A(aka 1898+1G>A) is classified as pathogenic in the context of cystic fibrosis and is associated with the classic form of disease. Sources cited for classification include the following: PMID 23974870. Classification of NM_000492.3(CFTR):c.1766+1G>A(aka 1898+1G>A) is based on the following criteria: The variant is located at a canonical splice site, is expected to disrupt gene function and is reported in individuals with the relevant phenotype. Please note: this variant was assessed in the context of healthy population screening.â€šÃ„Ã¶âˆšÃ‘âˆšÂ£

Women's Health and Genetics/Laboratory Corporation of America, LabCorp
Classification: Pathogenic for Cystic fibrosis. Last evaluated: 2019-04-01. Review status: criteria provided, single submitter. Criteria: LabCorp Variant Classification Summary - May 2015. Collection method: clinical testing. Allele origin: germline. Not counted in ClinVar's aggregate classification.
Comment: Variant summary: CFTR c.1766+1G>A is located in a canonical splice-site and is predicted to affect mRNA splicing resulting in a significantly altered protein due to either exon skipping, shortening, or inclusion of intronic material. Several computational tools predict a significant impact on normal splicing: four predict the variant abolishes a 5' splicing donor site. The variant allele was found at a frequency of 3.6e-05 in 275450 control chromosomes (gnomAD). The variant, c.1766+1G>A (also known as 1898+1G>A) is a common disease variant and has been reported in the literature and databases in numerous individuals affected with Cystic Fibrosis (see e.g. Sosnay 2013). There are 415 patients listed with this variant in the CFTR2 database, and 94% of these patients are pancreatic insufficient. To our knowledge, no experimental evidence demonstrating an impact on protein function has been reported. Two clinical diagnostic laboratories have submitted clinical-significance assessments for this variant to ClinVar after 2014 without evidence for independent evaluation, and both of them classified the variant as pathogenic. The variant has been also classified as pathogenic by the CFTR2 database expert panel. Based on the evidence outlined above, the variant was classified as pathogenic.

Mendelics
Classification: Pathogenic for Cystic fibrosis. Last evaluated: 2018-11-05. Review status: criteria provided, single submitter. Criteria: Mendelics Assertion Criteria 2017. Collection method: clinical testing. Allele origin: unknown. Affected: yes. Not counted in ClinVar's aggregate classification.

CFTR-France
Classification: Pathogenic for cystic fibrosis. Last evaluated: 2018-01-29. Review status: criteria provided, single submitter. Criteria: Claustres M et al. (Hum Mutat 2017). Collection method: curation. Allele origin: germline. Affected: yes. Not counted in ClinVar's aggregate classification.

Baylor Genetics
Classification: Pathogenic for Congenital bilateral aplasia of vas deferens from CFTR mutation; Cystic fibrosis. Review status: criteria provided, single submitter. Criteria: ACMG Guidelines, 2015. Collection method: clinical testing. Allele origin: germline. Not counted in ClinVar's aggregate classification.

OMIM
Classification: Pathogenic for CYSTIC FIBROSIS. Last evaluated: 1992-01-01. Review status: no assertion criteria provided. Collection method: literature only. Allele origin: germline. Not counted in ClinVar's aggregate classification.

Clinical Genetics DNA and cytogenetics Diagnostics Lab, Erasmus MC, Erasmus Medical Center
Classification: Pathogenic. Review status: no assertion criteria provided. Collection method: clinical testing. Allele origin: germline. Affected: yes. Study: VKGL Data-share Consensus. Not counted in ClinVar's aggregate classification.

Diagnostic Laboratory, Department of Genetics, University Medical Center Groningen
Classification: Pathogenic. Review status: no assertion criteria provided. Collection method: clinical testing. Allele origin: germline. Affected: yes. Study: VKGL Data-share Consensus. Not counted in ClinVar's aggregate classification.

GeneReviews
No classification provided. Condition: Cystic fibrosis. Review status: no classification provided. Collection method: literature only. Allele origin: unknown. Not counted in ClinVar's aggregate classification.

Joint Genome Diagnostic Labs from Nijmegen and Maastricht, Radboudumc and MUMC+
Classification: Pathogenic. Review status: no assertion criteria provided. Collection method: clinical testing. Allele origin: germline. Affected: yes. Study: VKGL Data-share Consensus. Not counted in ClinVar's aggregate classification.

Literature cited by the submitters: PMC 3110945 (cited by American College of Medical Genetics and Genomics  (ACMG)); PubMed 1284540 (cited by 6 submitters); PubMed 18456578 (cited by Labcorp Genetics (formerly Invitae), Labcorp and Quest Diagnostics Nichols Institute San Juan Capistrano); PubMed 22658665 (cited by Labcorp Genetics (formerly Invitae), Labcorp and Quest Diagnostics Nichols Institute San Juan Capistrano); PubMed 23974870 (cited by 4 submitters); PubMed 32429104 (cited by Quest Diagnostics Nichols Institute San Juan Capistrano and Ambry Genetics); PubMed 22975760 (cited by Quest Diagnostics Nichols Institute San Juan Capistrano); PubMed 22468138 (cited by Quest Diagnostics Nichols Institute San Juan Capistrano); PubMed 23276700 (cited by Quest Diagnostics Nichols Institute San Juan Capistrano); PubMed 20659818 (cited by Quest Diagnostics Nichols Institute San Juan Capistrano); PubMed 26708955 (cited by Quest Diagnostics Nichols Institute San Juan Capistrano); PubMed 28544683 (cited by Quest Diagnostics Nichols Institute San Juan Capistrano); PubMed 7508414 (cited by Ambry Genetics); PubMed 7537147 (cited by Ambry Genetics); PubMed 12767731 (cited by Women's Health and Genetics/Laboratory Corporation of America, LabCorp); PubMed 15371902 (cited by GeneReviews); PubMed 20301428 (cited by GeneReviews).